The following is an entry in ClinVar:

NM_173689.7(CRB2):c.946G>A (p.Asp316Asn)

Gene: CRB2 (crumbs cell polarity complex component 2; plus strand). Cytogenetic location: 9q33.3.
Variant type: single nucleotide variant.
Coding change: c.946G>A on transcript NM_173689.7 (MANE Select); coding-DNA position 946, G replaced by A.
Protein change: p.Asp316Asn; replaces aspartic acid 316 with asparagine.
Molecular consequence: missense variant.
Genome position (GRCh38, 1-based): chr9:123,367,578, G>A. VCF-style: chr9-123367578-G-A. GRCh37 (hg19) VCF-style: chr9-126129857-G-A.
Other names: c.946G>A (NM_173689.5, NM_173689.6); short protein forms D316N.
Identifiers: ClinVar variation 1530524 (VCV001530524.10), dbSNP rs201386154, ClinGen allele CA5231855.

ClinVar aggregate classification (germline): Benign/Likely benign. Review status: criteria provided, multiple submitters, no conflicts (2 of 4 stars). 3 submissions from 3 submitters: Benign (1); Likely benign (2). Last evaluated 2026-05-11.

Conditions:
CRB2-related disorder. Also called: CRB2-related condition; CRB2-related disorders.
Inborn genetic diseases. Identifiers: MedGen C0950123, MeSH D030342.

Allele frequency attached by ClinVar (database versions not stated): 1000 Genomes Project 30x 0.00016; 1000 Genomes Project 0.00020; gnomAD exomes 0.00021; ESP Exome Variant Server 0.00023; ExAC 0.00029.
gnomAD v4.1: 150 of 1,555,502 alleles (0.0096%); highest among the groups gnomAD compares: East Asian, 0.11%; no homozygotes.

Submissions (3):

PreventionGenetics, part of Exact Sciences
Classification: Likely benign for CRB2-related condition. Last evaluated: 2026-05-11. Review status: criteria provided, single submitter. Criteria: ACMG Guidelines, 2015. Collection method: clinical testing. Allele origin: germline.
Comment: This variant is classified as likely benign based on ACMG/AMP sequence variant interpretation guidelines (Richards et al. 2015 PMID: 25741868, with internal and published modifications).

Labcorp Genetics (formerly Invitae), Labcorp
Classification: Benign. Last evaluated: 2025-07-28. Review status: criteria provided, single submitter. Criteria: Invitae Variant Classification Sherloc (09022015). Collection method: clinical testing. Allele origin: germline.

Ambry Genetics
Classification: Likely benign for Inborn genetic diseases. Last evaluated: 2023-10-13. Review status: criteria provided, single submitter. Criteria: Ambry Variant Classification Scheme 2023. Collection method: clinical testing. Allele origin: germline.